The following is an entry in ClinVar:

NM_013382.7(POMT2):c.2177G>A (p.Gly726Glu)

Gene: POMT2 (protein O-mannosyltransferase 2; minus strand). Cytogenetic location: 14q24.3.
Variant type: single nucleotide variant.
Coding change: c.2177G>A on transcript NM_013382.7 (MANE Select); coding-DNA position 2177, G replaced by A.
Protein change: p.Gly726Glu; replaces glycine 726 with glutamic acid.
Molecular consequence: missense variant.
Genome position (GRCh38, 1-based): chr14:77,277,452, C>T on the plus strand (G>A on the coding strand, the complement: POMT2 is on the minus strand). VCF-style: chr14-77277452-C-T. GRCh37 (hg19) VCF-style: chr14-77743795-C-T.
Other names: short protein forms G726E.
Identifiers: ClinVar variation 3222 (VCV000003222.4), dbSNP rs267606969, ClinGen allele CA116095.

ClinVar aggregate classification (germline): Pathogenic. Review status: criteria provided, single submitter (1 of 4 stars). 3 submissions from 2 submitters: Pathogenic (1). 2 of the submissions do not count toward it. Last evaluated 2024-10-30.

Conditions:
Muscular dystrophy-dystroglycanopathy (congenital with brain and eye anomalies), type A2. Also called: WALKER-WARBURG SYNDROME OR MUSCLE-EYE-BRAIN DISEASE, POMT2-RELATED; MUSCULAR DYSTROPHY-DYSTROGLYCANOPATHY (CONGENITAL WITH BRAIN AND EYE ANOMALIES), TYPE A, 2. Identifiers: Orphanet 588, Orphanet 899, MedGen C3150411, MONDO:0013154, OMIM 613150.
Muscular dystrophy-dystroglycanopathy (congenital with impaired intellectual development), type B, 2. Also called: MUSCULAR DYSTROPHY, CONGENITAL, POMT2-RELATED; Muscular dystrophy-dystroglycanopathy (congenital with intellectual disability), type B2. Identifiers: MedGen C3150416, MONDO:0013160, OMIM 613156.
Autosomal recessive limb-girdle muscular dystrophy type 2N. Also called: Muscular dystrophy-dystroglycanopathy (limb-girdle), type C, 2; MUSCULAR DYSTROPHY-DYSTROGLYCANOPATHY, LIMB-GIRDLE, POMT2-RELATED. Identifiers: Orphanet 206559, MedGen C3150418, MONDO:0013162, OMIM 613158.

gnomAD v4.1: 2 of 1,613,974 alleles (0.00012%); highest among the groups gnomAD compares: South Asian, 0.0011%; no homozygotes.

Submissions (3):

Labcorp Genetics (formerly Invitae), Labcorp
Classification: Pathogenic for Muscular dystrophy-dystroglycanopathy (congenital with impaired intellectual development), type B, 2; Muscular dystrophy-dystroglycanopathy (congenital with brain and eye anomalies), type A2; Autosomal recessive limb-girdle muscular dystrophy type 2N. Last evaluated: 2024-10-30. Review status: criteria provided, single submitter. Criteria: Invitae Variant Classification Sherloc (09022015). Collection method: clinical testing. Allele origin: germline.
Comment: This sequence change replaces glycine, which is neutral and non-polar, with glutamic acid, which is acidic and polar, at codon 726 of the POMT2 protein (p.Gly726Glu). This variant is not present in population databases (gnomAD no frequency). This missense change has been observed in individual(s) with alpha-dystroglycanopathy (PMID: 16701995, 17878207, 22700954). It has also been observed to segregate with disease in related individuals. ClinVar contains an entry for this variant (Variation ID: 3222). Invitae Evidence Modeling of protein sequence and biophysical properties (such as structural, functional, and spatial information, amino acid conservation, physicochemical variation, residue mobility, and thermodynamic stability) has been performed for this missense variant. However, the output from this modeling did not meet the statistical confidence thresholds required to predict the impact of this variant on POMT2 protein function. This variant disrupts the p.Gly726 amino acid residue in POMT2. Other variant(s) that disrupt this residue have been determined to be pathogenic (PMID: 17559086, 34413876). This suggests that this residue is clinically significant, and that variants that disrupt this residue are likely to be disease-causing. For these reasons, this variant has been classified as Pathogenic.

OMIM
Classification: Pathogenic for MUSCULAR DYSTROPHY-DYSTROGLYCANOPATHY (CONGENITAL WITH IMPAIRED INTELLECTUAL DEVELOPMENT), TYPE B, 2. Last evaluated: 2009-05-26. Review status: no assertion criteria provided. Collection method: literature only. Allele origin: germline. Not counted in ClinVar's aggregate classification.

OMIM
Classification: Pathogenic for MUSCULAR DYSTROPHY-DYSTROGLYCANOPATHY (CONGENITAL WITH BRAIN AND EYE ANOMALIES), TYPE A, 2. Last evaluated: 2006-07-01. Review status: no assertion criteria provided. Collection method: literature only. Allele origin: germline. Not counted in ClinVar's aggregate classification.

Literature cited by the submitters: PubMed 16701995 (cited by Labcorp Genetics (formerly Invitae), Labcorp and OMIM); PubMed 17878207 (cited by Labcorp Genetics (formerly Invitae), Labcorp); PubMed 22700954 (cited by Labcorp Genetics (formerly Invitae), Labcorp); PubMed 17559086 (cited by Labcorp Genetics (formerly Invitae), Labcorp); PubMed 34413876 (cited by Labcorp Genetics (formerly Invitae), Labcorp); PubMed 19299310 (cited by OMIM).